The following is an entry in ClinVar:

ClinVar aggregate classification (germline): Pathogenic (1 of 4 stars; one submission).

Conditions:
Fanconi anemia (FA). Also called: Fanconi's anemia. Identifiers: Orphanet 84, MedGen C0015625, MeSH D005199, MONDO:0019391.

gnomAD v4.1: 1 of 1,613,088 alleles (0.000062%); highest among the groups gnomAD compares: Non-Finnish European, 0.000085%; no homozygotes.

Submission:

Labcorp Genetics (formerly Invitae), Labcorp
Classification: Pathogenic for Fanconi anemia. Last evaluated: 2023-07-07. Review status: criteria provided, single submitter. Criteria: Invitae Variant Classification Sherloc (09022015). Collection method: clinical testing. Allele origin: germline.
Comment: Algorithms developed to predict the effect of sequence changes on RNA splicing suggest that this variant may disrupt the consensus splice site. For these reasons, this variant has been classified as Pathogenic. ClinVar contains an entry for this variant (Variation ID: 1396207). This variant has not been reported in the literature in individuals affected with FANCL-related conditions. This variant is not present in population databases (gnomAD no frequency). This sequence change creates a premature translational stop signal (p.Gln99*) in the FANCL gene. It is expected to result in an absent or disrupted protein product. Loss-of-function variants in FANCL are known to be pathogenic (PMID: 19405097, 23613520).

Literature cited by the submitters: PubMed 19405097; PubMed 23613520.

NM_018062.4(FANCL):c.295C>T (p.Gln99Ter)

Gene: FANCL (FA complementation group L; minus strand). Cytogenetic location: 2p16.1.
Variant type: single nucleotide variant.
Coding change: c.295C>T on transcript NM_018062.4 (MANE Select); coding-DNA position 295, C replaced by T.
Protein change: p.Gln99Ter; replaces glutamine 99 with a stop codon.
Molecular consequence: nonsense.
Genome position (GRCh38, 1-based): chr2:58,222,021, G>A on the plus strand (C>T on the coding strand, the complement: FANCL is on the minus strand). VCF-style: chr2-58222021-G-A. GRCh37 (hg19) VCF-style: chr2-58449156-G-A.
Other names: c.295C>T, p.Gln99Ter (NM_001114636.2, NM_001374615.1, NM_001410792.1); short protein forms Q99*.
Identifiers: ClinVar variation 1396207 (VCV001396207.6), dbSNP rs1196510455, ClinGen allele CA347034538.